The following is an entry in ClinVar:

ClinVar aggregate classification (germline): Pathogenic/Likely pathogenic. Review status: criteria provided, multiple submitters, no conflicts (2 of 4 stars). 2 submissions from 2 submitters: Pathogenic (1); Likely pathogenic (1). Last evaluated 2025-09-23.

Conditions:
FLNB-related disorder. Also called: FLNB-related condition; FLNB-related disorders. Identifiers: MedGen CN381095.

Submissions (2):

Labcorp Genetics (formerly Invitae), Labcorp
Classification: Pathogenic. Last evaluated: 2025-09-23. Review status: criteria provided, single submitter. Criteria: Invitae Variant Classification Sherloc (09022015). Collection method: clinical testing. Allele origin: germline.
Comment: This sequence change creates a premature translational stop signal (p.Val1195Glyfs*60) in the FLNB gene. It is expected to result in an absent or disrupted protein product. Loss-of-function variants in FLNB are known to be pathogenic (PMID: 14991055). This variant is present in population databases (rs748724324, gnomAD 0.006%). This variant has not been reported in the literature in individuals affected with FLNB-related conditions. For these reasons, this variant has been classified as Pathogenic.

Blueprint Genetics
Classification: Likely pathogenic for FLNB-related disorders. Last evaluated: 2022-02-24. Review status: criteria provided, single submitter. Criteria: ACMG Guidelines, 2015. Collection method: clinical testing. Allele origin: germline. Affected: yes. Observed: 2 variant alleles.

Literature cited by the submitters: PubMed 14991055 (cited by Labcorp Genetics (formerly Invitae), Labcorp).

NM_001457.4(FLNB):c.3583dup (p.Val1195fs)

Gene: FLNB (filamin B; plus strand). Cytogenetic location: 3p14.3.
Variant type: Duplication.
Coding change: c.3583dup on transcript NM_001457.4 (MANE Select); coding-DNA position 3583, one base duplicated (G; older notation c.3583dupG).
Protein change: p.Val1195fs; shifts the reading frame from valine 1195.
Molecular consequence: frameshift variant.
Genome position (GRCh38, 1-based): chr3:58,123,549, G duplicated. VCF-style (leftmost placement, unchanged base first): chr3-58123548-C-CG. GRCh37 (hg19) VCF-style: chr3-58109275-C-CG.
Other names: c.3583dup, p.Val1195fs (NM_001164317.2, NM_001164318.2, NM_001164319.2); short protein forms V1195fs.
Identifiers: ClinVar variation 4700602 (VCV004700602.2).